The following is an entry in ClinVar:

ClinVar aggregate classification (germline): Likely benign. Review status: criteria provided, single submitter (1 of 4 stars). 2 submissions from 2 submitters: Likely benign (1). 1 of the submissions does not count toward it. Last evaluated 2023-06-01.

Conditions:
PTH2R-related disorder. Also called: PTH2R-related condition.

Allele frequency attached by ClinVar (database versions not stated): TOPMed 0.00003; gnomAD 0.00013; ExAC 0.00059; 1000 Genomes Project 30x 0.00078; 1000 Genomes Project 0.00080.
gnomAD v4.1: 242 of 1,402,388 alleles (0.017%); highest among the groups gnomAD compares: South Asian, 0.41%; 1 homozygote.

Submissions (2):

CeGaT Center for Human Genetics Tuebingen
Classification: Likely benign. Last evaluated: 2023-06-01. Review status: criteria provided, single submitter. Criteria: CeGaT Center For Human Genetics Tuebingen Variant Classification Criteria Version 2. Collection method: clinical testing. Allele origin: germline. Affected: yes. Observed: 1 variant allele.
Comment: PTH2R: BP4

PreventionGenetics, part of Exact Sciences
Classification: Likely benign for PTH2R-related condition. Last evaluated: 2019-02-21. Review status: no assertion criteria provided. Collection method: clinical testing. Allele origin: germline. Not counted in ClinVar's aggregate classification.
Comment: This variant is classified as likely benign based on ACMG/AMP sequence variant interpretation guidelines (Richards et al. 2015 PMID: 25741868, with internal and published modifications).

NM_005048.4(PTH2R):c.75+5G>A

Gene: PTH2R (parathyroid hormone 2 receptor; plus strand). Cytogenetic location: 2q34.
Variant type: single nucleotide variant.
Coding change: c.75+5G>A on transcript NM_005048.4 (MANE Select); 5 bases into the intron after coding-DNA position 75, G replaced by A.
Molecular consequence: intron variant.
Genome position (GRCh38, 1-based): chr2:208,407,123, G>A. VCF-style: chr2-208407123-G-A. GRCh37 (hg19) VCF-style: chr2-209271848-G-A.
Other names: c.-325-8397G>A (NM_001371905.1); c.-334-9738G>A (NM_001371906.1); c.-258-21078G>A (NM_001309516.2, NM_001371907.1); c.75+5G>A (NM_005048.3).
Identifiers: ClinVar variation 2651854 (VCV002651854.25), dbSNP rs556412837, ClinGen allele CA2080885.